The following is an entry in ClinVar:

NM_173689.7(CRB2):c.951C>T (p.Cys317=)

Gene: CRB2 (crumbs cell polarity complex component 2; plus strand). Cytogenetic location: 9q33.3.
Variant type: single nucleotide variant.
Coding change: c.951C>T on transcript NM_173689.7 (MANE Select); coding-DNA position 951, C replaced by T.
Protein change: p.Cys317=; no amino-acid change (cysteine 317 retained).
Molecular consequence: synonymous variant.
Genome position (GRCh38, 1-based): chr9:123,367,583, C>T. VCF-style: chr9-123367583-C-T. GRCh37 (hg19) VCF-style: chr9-126129862-C-T.
Identifiers: ClinVar variation 3043640 (VCV003043640.3), dbSNP rs774871506, ClinGen allele CA5231856.

ClinVar aggregate classification (germline): Likely benign. Review status: criteria provided, single submitter (1 of 4 stars). 2 submissions from 2 submitters: Likely benign (1). 1 of the submissions does not count toward it. Last evaluated 2025-05-20.

Conditions:
CRB2-related disorder. Also called: CRB2-related disorders; CRB2-related condition.

Allele frequency attached by ClinVar (database versions not stated): ExAC 0.00005.
gnomAD v4.1: 44 of 1,557,382 alleles (0.0028%); highest among the groups gnomAD compares: South Asian, 0.024%; no homozygotes.

Submissions (2):

Labcorp Genetics (formerly Invitae), Labcorp
Classification: Likely benign. Last evaluated: 2025-05-20. Review status: criteria provided, single submitter. Criteria: Invitae Variant Classification Sherloc (09022015). Collection method: clinical testing. Allele origin: germline.

PreventionGenetics, part of Exact Sciences
Classification: Likely benign for CRB2-related condition. Last evaluated: 2019-06-06. Review status: no assertion criteria provided. Collection method: clinical testing. Allele origin: germline. Not counted in ClinVar's aggregate classification.
Comment: This variant is classified as likely benign based on ACMG/AMP sequence variant interpretation guidelines (Richards et al. 2015 PMID: 25741868, with internal and published modifications).